The following is an entry in ClinVar:

NM_001453.3(FOXC1):c.1155G>A (p.Gly385=)

Gene: FOXC1 (forkhead box C1; plus strand). Cytogenetic location: 6p25.3.
Variant type: single nucleotide variant.
Coding change: c.1155G>A on transcript NM_001453.3 (MANE Select); coding-DNA position 1155, G replaced by A.
Protein change: p.Gly385=; no amino-acid change (glycine 385 retained).
Molecular consequence: synonymous variant.
Genome position (GRCh38, 1-based): chr6:1,611,600, G>A. VCF-style: chr6-1611600-G-A. GRCh37 (hg19) VCF-style: chr6-1611835-G-A.
Identifiers: ClinVar variation 4779706 (VCV004779706.1).

ClinVar aggregate classification (germline): Uncertain significance (1 of 4 stars; one submission).

Conditions:
Axenfeld-Rieger syndrome type 3 (RIEG3). Also called: AXENFELD-RIEGER ANOMALY WITH CARDIAC DEFECTS AND/OR SENSORINEURAL HEARING LOSS. Identifiers: Orphanet 782, MedGen C2678503, MONDO:0011233, OMIM 602482.

Submission:

Labcorp Genetics (formerly Invitae), Labcorp
Classification: Uncertain significance for Axenfeld-Rieger syndrome type 3. Last evaluated: 2025-10-19. Review status: criteria provided, single submitter. Criteria: Invitae Variant Classification Sherloc (09022015). Collection method: clinical testing. Allele origin: germline.
Comment: This sequence change affects codon 385 of the FOXC1 mRNA. It is a 'silent' change, meaning that it does not change the encoded amino acid sequence of the FOXC1 protein. The frequency data for this variant in the population databases is considered unreliable, as metrics indicate poor data quality at this position in the gnomAD database. This variant has not been reported in the literature in individuals affected with FOXC1-related conditions. Experimental studies and prediction algorithms are not available or were not evaluated, and the effect of this variant on mRNA splicing is currently unknown. In summary, the available evidence is currently insufficient to determine the role of this variant in disease. Therefore, it has been classified as a Variant of Uncertain Significance.